The following is an entry in ClinVar:

NM_001184.4(ATR):c.3241C>A (p.Leu1081Met)

Gene: ATR (ATR checkpoint kinase; minus strand). Cytogenetic location: 3q23.
Variant type: single nucleotide variant.
Coding change: c.3241C>A on transcript NM_001184.4 (MANE Select); coding-DNA position 3241, C replaced by A.
Protein change: p.Leu1081Met; replaces leucine 1081 with methionine.
Molecular consequence: missense variant.
Genome position (GRCh38, 1-based): chr3:142,547,841, G>T on the plus strand (C>A on the coding strand, the complement: ATR is on the minus strand). VCF-style: chr3-142547841-G-T. GRCh37 (hg19) VCF-style: chr3-142266683-G-T.
Other names: c.3049C>A, p.Leu1017Met (NM_001354579.2); short protein forms L1017M, L1081M.
Identifiers: ClinVar variation 1729307 (VCV001729307.2), dbSNP rs139173669, ClinGen allele CA2650171.

ClinVar aggregate classification (germline): Uncertain significance (1 of 4 stars; one submission).

Conditions:
Inborn genetic diseases. Identifiers: MedGen C0950123, MeSH D030342.

gnomAD v4.1: 16 of 1,613,866 alleles (0.00099%); highest among the groups gnomAD compares: Middle Eastern, 0.033%; 1 homozygote.

Submission:

Ambry Genetics
Classification: Uncertain significance for Inborn genetic diseases. Last evaluated: 2022-10-27. Review status: criteria provided, single submitter. Criteria: Ambry Variant Classification Scheme 2023. Collection method: clinical testing. Allele origin: germline.
Comment: The p.L1081M variant (also known as c.3241C>A), located in coding exon 16 of the ATR gene, results from a C to A substitution at nucleotide position 3241. The leucine at codon 1081 is replaced by methionine, an amino acid with highly similar properties. This amino acid position is conserved. In addition, the in silico prediction for this alteration is inconclusive. Since supporting evidence is limited at this time, the clinical significance of this alteration remains unclear.